The following is an entry in ClinVar:

ClinVar aggregate classification (germline): Uncertain significance. Review status: criteria provided, multiple submitters, no conflicts (2 of 4 stars). 2 submissions from 2 submitters: Uncertain significance (2). Last evaluated 2025-04-02.

Conditions:
Inborn genetic diseases. Identifiers: MedGen C0950123, MeSH D030342.

Allele frequency attached by ClinVar (database versions not stated): TOPMed below 0.00001; gnomAD 0.00001; gnomAD exomes 0.00001.
gnomAD v4.1: 12 of 1,604,892 alleles (0.00075%); highest among the groups gnomAD compares: Non-Finnish European, 0.00094%; no homozygotes.

Submissions (2):

Ambry Genetics
Classification: Uncertain significance for Inborn genetic diseases. Last evaluated: 2025-04-02. Review status: criteria provided, single submitter. Criteria: Ambry Variant Classification Scheme 2023. Collection method: clinical testing. Allele origin: germline.

Labcorp Genetics (formerly Invitae), Labcorp
Classification: Uncertain significance. Last evaluated: 2023-07-17. Review status: criteria provided, single submitter. Criteria: Invitae Variant Classification Sherloc (09022015). Collection method: clinical testing. Allele origin: germline.
Comment: In summary, the available evidence is currently insufficient to determine the role of this variant in disease. Therefore, it has been classified as a Variant of Uncertain Significance. An algorithm developed to predict the effect of missense changes on protein structure and function (PolyPhen-2) suggests that this variant is likely to be disruptive. ClinVar contains an entry for this variant (Variation ID: 1997900). This variant has not been reported in the literature in individuals affected with IMPG2-related conditions. This variant is present in population databases (no rsID available, gnomAD 0.002%). This sequence change replaces leucine, which is neutral and non-polar, with proline, which is neutral and non-polar, at codon 19 of the IMPG2 protein (p.Leu19Pro).

NM_016247.4(IMPG2):c.56T>C (p.Leu19Pro)

Gene: IMPG2 (interphotoreceptor matrix proteoglycan 2; minus strand). Cytogenetic location: 3q12.3.
Variant type: single nucleotide variant.
Coding change: c.56T>C on transcript NM_016247.4 (MANE Select); coding-DNA position 56, T replaced by C.
Protein change: p.Leu19Pro; replaces leucine 19 with proline.
Molecular consequence: missense variant.
Genome position (GRCh38, 1-based): chr3:101,320,317, A>G on the plus strand (T>C on the coding strand, the complement: IMPG2 is on the minus strand). VCF-style: chr3-101320317-A-G. GRCh37 (hg19) VCF-style: chr3-101039161-A-G.
Other names: c.56T>C (NM_016247.3); short protein forms L19P.
Identifiers: ClinVar variation 1997900 (VCV001997900.5), dbSNP rs1317738830, ClinGen allele CA353859247.